The following is an entry in ClinVar:

ClinVar aggregate classification (germline): Likely pathogenic (1 of 4 stars; one submission).

Conditions:
Leukodystrophy, hypomyelinating, 2. Also called: PELIZAEUS-MERZBACHER-LIKE DISEASE, 1. Identifiers: Orphanet 280270, Orphanet 280282, MedGen C1837355, MONDO:0012125, OMIM 608804.

Submission:

3billion
Classification: Likely pathogenic for Leukodystrophy, hypomyelinating, 2. Last evaluated: 2025-09-22. Review status: criteria provided, single submitter. Criteria: ACMG Guidelines, 2015. Collection method: clinical testing. Allele origin: germline. Affected: yes.
Comment: The variant is not observed in the gnomAD v4.1.0 dataset. Predicted Consequence/Location: Stop-gained (nonsense): predicted to result in a loss or disruption of normal protein function through protein truncation. The predicted truncated protein may be shortened by more than 10%. The variant has been reported to be associated with GJC2-related disorder (3billion dataset). Therefore, this variant is classified as Likely pathogenic according to the recommendation of ACMG/AMP guideline.

NM_020435.4(GJC2):c.613C>T (p.Gln205Ter)

Gene: GJC2 (gap junction protein gamma 2; plus strand). Cytogenetic location: 1q42.13.
Variant type: single nucleotide variant.
Coding change: c.613C>T on transcript NM_020435.4 (MANE Select); coding-DNA position 613, C replaced by T.
Protein change: p.Gln205Ter; replaces glutamine 205 with a stop codon.
Molecular consequence: nonsense.
Genome position (GRCh38, 1-based): chr1:228,158,371, C>T. VCF-style: chr1-228158371-C-T. GRCh37 (hg19) VCF-style: chr1-228346072-C-T.
Other names: short protein forms Q205*.
Identifiers: ClinVar variation 4293815 (VCV004293815.2).